The following is an entry in ClinVar:

ClinVar aggregate classification (germline): Uncertain significance (1 of 4 stars; one submission).

Conditions:
Hereditary cancer-predisposing syndrome. Also called: Hereditary neoplastic syndrome; Neoplastic Syndromes, Hereditary; Tumor predisposition; Hereditary Cancer Syndrome. Identifiers: Orphanet 140162, MedGen C0027672, MeSH D009386, MONDO:0015356.

Submission:

Ambry Genetics
Classification: Uncertain significance for Hereditary cancer-predisposing syndrome. Last evaluated: 2025-08-27. Review status: criteria provided, single submitter. Criteria: Ambry Variant Classification Scheme 2023. Collection method: clinical testing. Allele origin: germline.
Comment: The p.Q260H variant (also known as c.780G>T), located in coding exon 9 of the MUTYH gene, results from a G to T substitution at nucleotide position 780. The glutamine at codon 260 is replaced by histidine, an amino acid with highly similar properties. This amino acid position is conserved. In addition, this alteration is predicted to be tolerated by in silico analysis. Based on the available evidence, the clinical significance of this variant remains unclear.

NM_001048174.2(MUTYH):c.696G>T (p.Gln232His)

Gene: MUTYH (mutY DNA glycosylase; minus strand). Cytogenetic location: 1p34.1.
Variant type: single nucleotide variant.
Coding change: c.696G>T on transcript NM_001048174.2 (MANE Select); coding-DNA position 696, G replaced by T.
Protein change: p.Gln232His; replaces glutamine 232 with histidine.
Molecular consequence: missense variant. On other transcripts: non-coding transcript variant (7).
Genome position (GRCh38, 1-based): chr1:45,332,399, C>A on the plus strand (G>T on the coding strand, the complement: MUTYH is on the minus strand). VCF-style: chr1-45332399-C-A. GRCh37 (hg19) VCF-style: chr1-45798071-C-A.
Other names: c.654G>T, p.Gln218His (NM_001407080.1); c.696G>T, p.Gln232His (NM_001407081.1, NM_001407088.1, NM_001407089.1 and 6 more transcripts); c.351G>T, p.Gln117His (NM_001407082.1, NM_001350650.2, NM_001350651.2); c.738G>T, p.Gln246His (NM_001407083.1, NM_001407085.1); c.699G>T, p.Gln233His (NM_001407086.1, NM_001048172.2, NM_001407071.1 and 1 more transcripts); c.717G>T, p.Gln239His (NM_001407087.1); c.780G>T, p.Gln260His (NM_001128425.2); c.741G>T, p.Gln247His (NM_001293190.2); and 5 more; short protein forms Q204H, Q233H, Q239H, Q247H, Q117H, Q232H, Q243H, Q257H.
Identifiers: ClinVar variation 4113838 (VCV004113838.1).